The following is an entry in ClinVar:

ClinVar aggregate classification (germline): Uncertain significance. Review status: criteria provided, multiple submitters, no conflicts (2 of 4 stars). 2 submissions from 2 submitters: Uncertain significance (2). Last evaluated 2023-11-29.

Conditions:
Inborn genetic diseases. Identifiers: MedGen C0950123, MeSH D030342.

Allele frequency attached by ClinVar (database versions not stated): TOPMed 0.00003; gnomAD 0.00004; ExAC 0.00006; gnomAD exomes 0.00006; ESP Exome Variant Server 0.00008.
gnomAD v4.1: 99 of 1,613,876 alleles (0.0061%); highest among the groups gnomAD compares: Admixed American, 0.013%; no homozygotes.

Submissions (2):

Ambry Genetics
Classification: Uncertain significance for Inborn genetic diseases. Last evaluated: 2023-11-29. Review status: criteria provided, single submitter. Criteria: Ambry Variant Classification Scheme 2023. Collection method: clinical testing. Allele origin: germline.

GeneDx
Classification: Uncertain significance. Last evaluated: 2023-11-18. Review status: criteria provided, single submitter. Criteria: GeneDx Variant Classification Process June 2021. Collection method: clinical testing. Allele origin: germline. Affected: yes.
Comment: In silico analysis supports that this missense variant does not alter protein structure/function; Has not been previously published as pathogenic or benign to our knowledge

NM_025074.7(FRAS1):c.7429G>A (p.Ala2477Thr)

Gene: FRAS1 (Fraser extracellular matrix complex subunit 1; plus strand). Cytogenetic location: 4q21.21.
Variant type: single nucleotide variant.
Coding change: c.7429G>A on transcript NM_025074.7 (MANE Select); coding-DNA position 7429, G replaced by A.
Protein change: p.Ala2477Thr; replaces alanine 2477 with threonine.
Molecular consequence: missense variant.
Genome position (GRCh38, 1-based): chr4:78,472,237, G>A. VCF-style: chr4-78472237-G-A. GRCh37 (hg19) VCF-style: chr4-79393391-G-A.
Other names: short protein forms A2477T.
Identifiers: ClinVar variation 3096714 (VCV003096714.2), dbSNP rs367708548, ClinGen allele CA2978092.